The following is an entry in ClinVar:

NM_001370259.2(MEN1):c.913G>A (p.Gly305Ser)

Gene: MEN1 (menin 1; minus strand). Cytogenetic location: 11q13.1.
Variant type: single nucleotide variant.
Coding change: c.913G>A on transcript NM_001370259.2 (MANE Select); coding-DNA position 913, G replaced by A.
Protein change: p.Gly305Ser; replaces glycine 305 with serine.
Molecular consequence: missense variant.
Genome position (GRCh38, 1-based): chr11:64,806,368, C>T on the plus strand (G>A on the coding strand, the complement: MEN1 is on the minus strand). VCF-style: chr11-64806368-C-T. GRCh37 (hg19) VCF-style: chr11-64573840-C-T.
Other names: c.928G>A, p.Gly310Ser (NM_000244.4, NM_130800.3, NM_130801.3 and 3 more transcripts); c.913G>A, p.Gly305Ser (NM_001370251.2, NM_001370260.2, NM_001370261.2 and 1 more transcripts); c.808G>A, p.Gly270Ser (NM_001370262.2, NM_001370263.2); short protein forms G305S, G310S, G270S.
Identifiers: ClinVar variation 457344 (VCV000457344.11), dbSNP rs1555165146, ClinGen allele CA381183461.

ClinVar aggregate classification (germline): Uncertain significance. Review status: criteria provided, multiple submitters, no conflicts (2 of 4 stars). 2 submissions from 2 submitters: Uncertain significance (2). Last evaluated 2024-06-03.

Conditions:
Hereditary cancer-predisposing syndrome. Also called: Hereditary Cancer Syndrome; Hereditary neoplastic syndrome; Tumor predisposition; Neoplastic Syndromes, Hereditary. Identifiers: Orphanet 140162, MedGen C0027672, MeSH D009386, MONDO:0015356.
Multiple endocrine neoplasia, type 1 (MEN1). Also called: MEN I; WERMER SYNDROME; Endocrine adenomatosis multiple; MEN 1; MEA I. Identifiers: Orphanet 652, MedGen C0025267, MeSH D018761, MONDO:0007540, OMIM 131100.

gnomAD v4.1: 1 of 1,614,142 alleles (0.000062%); no homozygotes.

Submissions (2):

Labcorp Genetics (formerly Invitae), Labcorp
Classification: Uncertain significance for Multiple endocrine neoplasia, type 1. Last evaluated: 2024-06-03. Review status: criteria provided, single submitter. Criteria: Invitae Variant Classification Sherloc (09022015). Collection method: clinical testing. Allele origin: germline.
Comment: This sequence change replaces glycine, which is neutral and non-polar, with serine, which is neutral and polar, at codon 305 of the MEN1 protein (p.Gly305Ser). This variant is not present in population databases (gnomAD no frequency). This variant has not been reported in the literature in individuals affected with MEN1-related conditions. ClinVar contains an entry for this variant (Variation ID: 457344). An algorithm developed to predict the effect of missense changes on protein structure and function (PolyPhen-2) suggests that this variant is likely to be tolerated. In summary, the available evidence is currently insufficient to determine the role of this variant in disease. Therefore, it has been classified as a Variant of Uncertain Significance.

Ambry Genetics
Classification: Uncertain significance for Hereditary cancer-predisposing syndrome. Last evaluated: 2024-02-01. Review status: criteria provided, single submitter. Criteria: Ambry Variant Classification Scheme 2023. Collection method: clinical testing. Allele origin: germline.
Comment: The p.G305S variant (also known as c.913G>A) is located in coding exon 6 of the MEN1 gene. The glycine at codon 305 is replaced by serine, an amino acid with similar properties. This change occurs in the first base pair of coding exon 6. This amino acid position is not well conserved in available vertebrate species. In addition, the in silico prediction for this alteration is inconclusive. Based on the available evidence, the clinical significance of this alteration remains unclear.